The following is an entry in ClinVar:

NM_006642.5(SDCCAG8):c.1452G>C (p.Arg484Ser)

Gene: SDCCAG8 (SHH signaling and ciliogenesis regulator SDCCAG8; plus strand). Cytogenetic location: 1q43.
Variant type: single nucleotide variant.
Coding change: c.1452G>C on transcript NM_006642.5 (MANE Select); coding-DNA position 1452, G replaced by C.
Protein change: p.Arg484Ser; replaces arginine 484 with serine.
Molecular consequence: missense variant.
Genome position (GRCh38, 1-based): chr1:243,344,310, G>C. VCF-style: chr1-243344310-G-C. GRCh37 (hg19) VCF-style: chr1-243507612-G-C.
Other names: c.549G>C, p.Arg183Ser (NM_001350246.2, NM_001350247.2, NM_001350251.2); c.1548G>C, p.Arg516Ser (NM_001350248.2); c.1158G>C, p.Arg386Ser (NM_001350249.2); c.1452G>C (NM_006642.3); short protein forms R183S, R516S, R386S, R484S.
Identifiers: ClinVar variation 2178310 (VCV002178310.5), dbSNP rs1056998767, ClinGen allele CA345476015.
Genomic context (GRCh38, chr1:243,344,310, plus strand): 5'-CAACATGGAGAAGGATGAGGCAGAAAAGGAGCACAGAGAGTTCAGAGCAAAAACTAACAG[G>C]GATCTTGAAATTAAAGATCAGGTAAGAGAGGACACAGCATAATTGCAGCAATTATAGATA-3'
Protein context (NP_006633.1, residues 474-494): EHREFRAKTN[Arg484Ser]DLEIKDQEIE

ClinVar aggregate classification (germline): Uncertain significance. Review status: criteria provided, multiple submitters, no conflicts (2 of 4 stars). 2 submissions from 2 submitters: Uncertain significance (2). Last evaluated 2024-10-13.

Conditions:
SDCCAG8-related disorder. Also called: SDCCAG8-Related Disorders; SDCCAG8-related condition.
Bardet-Biedl syndrome 16 (BBS16). Identifiers: Orphanet 110, MedGen C3889474, MONDO:0014444, OMIM 615993.
Senior-Loken syndrome 7 (SLSN7). Identifiers: Orphanet 3156, MedGen C3150877, MONDO:0013326, OMIM 613615.

Allele frequency attached by ClinVar (database versions not stated): gnomAD exomes below 0.00001.
gnomAD v4.1: 2 of 1,612,838 alleles (0.00012%); highest among the groups gnomAD compares: Non-Finnish European, 0.00017%; no homozygotes.

Submissions (2):

PreventionGenetics, part of Exact Sciences
Classification: Uncertain significance for SDCCAG8-related condition. Last evaluated: 2024-10-13. Review status: criteria provided, single submitter. Criteria: ACMG Guidelines, 2015. Collection method: clinical testing. Allele origin: germline.
Comment: The SDCCAG8 c.1452G>C variant is predicted to result in the amino acid substitution p.Arg484Ser. To our knowledge, this variant has not been reported in the literature or in a large population database (gnomAD), indicating this variant is rare. At this time, the clinical significance of this variant is uncertain due to the absence of conclusive functional and genetic evidence.

Labcorp Genetics (formerly Invitae), Labcorp
Classification: Uncertain significance for Bardet-Biedl syndrome 16; Senior-Loken syndrome 7. Last evaluated: 2022-02-25. Review status: criteria provided, single submitter. Criteria: Invitae Variant Classification Sherloc (09022015). Collection method: clinical testing. Allele origin: germline.
Comment: In summary, the available evidence is currently insufficient to determine the role of this variant in disease. Therefore, it has been classified as a Variant of Uncertain Significance. Algorithms developed to predict the effect of missense changes on protein structure and function (SIFT, PolyPhen-2, Align-GVGD) all suggest that this variant is likely to be disruptive. This variant has not been reported in the literature in individuals affected with SDCCAG8-related conditions. This variant is not present in population databases (gnomAD no frequency). This sequence change replaces arginine, which is basic and polar, with serine, which is neutral and polar, at codon 484 of the SDCCAG8 protein (p.Arg484Ser).